The following is an entry in ClinVar:

ClinVar aggregate classification (germline): Uncertain significance. Review status: criteria provided, multiple submitters, no conflicts (2 of 4 stars). 2 submissions from 2 submitters: Uncertain significance (2). Last evaluated 2022-10-30.

Conditions:
Hereditary cancer-predisposing syndrome. Also called: Hereditary neoplastic syndrome; Neoplastic Syndromes, Hereditary; Hereditary Cancer Syndrome; Tumor predisposition. Identifiers: Orphanet 140162, MedGen C0027672, MeSH D009386, MONDO:0015356.
Ataxia-telangiectasia syndrome (AT). Also called: AT, COMPLEMENTATION GROUP C; Cerebello-oculocutaneous telangiectasia; Immunodeficiency with ataxia telangiectasia; Ataxia-telangiectasia, complementation group D; ATAXIA-TELANGIECTASIA, FRESNO VARIANT; Ataxia-telangiectasia, complementation group E. Identifiers: Orphanet 100, MedGen C0004135, MONDO:0008840, OMIM 208900.

Submissions (2):

Ambry Genetics
Classification: Uncertain significance for Hereditary cancer-predisposing syndrome. Last evaluated: 2022-10-30. Review status: criteria provided, single submitter. Criteria: Ambry Variant Classification Scheme 2023. Collection method: clinical testing. Allele origin: germline.
Comment: The p.H1136Q variant (also known as c.3408T>G), located in coding exon 23 of the ATM gene, results from a T to G substitution at nucleotide position 3408. The histidine at codon 1136 is replaced by glutamine, an amino acid with highly similar properties. This amino acid position is conserved. In addition, this alteration is predicted to be tolerated by in silico analysis. Since supporting evidence is limited at this time, the clinical significance of this alteration remains unclear.

Labcorp Genetics (formerly Invitae), Labcorp
Classification: Uncertain significance for Ataxia-telangiectasia syndrome. Last evaluated: 2021-08-31. Review status: criteria provided, single submitter. Criteria: Invitae Variant Classification Sherloc (09022015). Collection method: clinical testing. Allele origin: germline.
Comment: This sequence change replaces histidine with glutamine at codon 1136 of the ATM protein (p.His1136Gln). The histidine residue is weakly conserved and there is a small physicochemical difference between histidine and glutamine. This variant is not present in population databases (ExAC no frequency). This variant has not been reported in the literature in individuals affected with ATM-related conditions. Algorithms developed to predict the effect of missense changes on protein structure and function output the following: SIFT: "Tolerated"; PolyPhen-2: "Benign"; Align-GVGD: "Class C0". The glutamine amino acid residue is found in multiple mammalian species, which suggests that this missense change does not adversely affect protein function. Algorithms developed to predict the effect of sequence changes on RNA splicing suggest that this variant may create or strengthen a splice site. In summary, the available evidence is currently insufficient to determine the role of this variant in disease. Therefore, it has been classified as a Variant of Uncertain Significance.

NM_000051.4(ATM):c.3408T>G (p.His1136Gln)

Gene: ATM (ATM serine/threonine kinase; plus strand). Cytogenetic location: 11q22.3.
Variant type: single nucleotide variant.
Coding change: c.3408T>G on transcript NM_000051.4 (MANE Select); coding-DNA position 3408, T replaced by G.
Protein change: p.His1136Gln; replaces histidine 1136 with glutamine.
Molecular consequence: missense variant.
Genome position (GRCh38, 1-based): chr11:108,281,000, T>G. VCF-style: chr11-108281000-T-G. GRCh37 (hg19) VCF-style: chr11-108151727-T-G.
Other names: c.3408T>G, p.His1136Gln (NM_001351834.2); short protein forms H1136Q.
Identifiers: ClinVar variation 573619 (VCV000573619.8), dbSNP rs1565441369, ClinGen allele CA382518856.